The following is an entry in ClinVar:

ClinVar aggregate classification (germline): Likely benign (0 of 4 stars; one submission).

Conditions:
SNTG1-related disorder. Also called: SNTG1-related condition.

gnomAD v4.1: 627 of 1,608,428 alleles (0.039%); highest among the groups gnomAD compares: African/African-American, 0.67%; 2 homozygotes.

Submission:

PreventionGenetics, part of Exact Sciences
Classification: Likely benign for SNTG1-related condition. Last evaluated: 2024-04-27. Review status: no assertion criteria provided. Collection method: clinical testing. Allele origin: germline.
Comment: This variant is classified as likely benign based on ACMG/AMP sequence variant interpretation guidelines (Richards et al. 2015 PMID: 25741868, with internal and published modifications).

NM_018967.5(SNTG1):c.364-5T>C

Gene: SNTG1 (syntrophin gamma 1; plus strand). Cytogenetic location: 8q11.21.
Variant type: single nucleotide variant.
Coding change: c.364-5T>C on transcript NM_018967.5 (MANE Select); 5 bases into the intron before coding-DNA position 364, T replaced by C.
Molecular consequence: intron variant.
Genome position (GRCh38, 1-based): chr8:50,502,773, T>C. VCF-style: chr8-50502773-T-C. GRCh37 (hg19) VCF-style: chr8-51415333-T-C.
Other names: c.364-5T>C (NM_001287813.3, NM_001321775.2, NM_001321773.2 and 4 more transcripts).
Identifiers: ClinVar variation 3352405 (VCV003352405.1).
Genomic context (GRCh38, chr8:50,502,773, plus strand): 5'-GGCTTTGCCATCATATAACATGATAAATGTAATGATGATTGTATTCTTTTTATTCTTTTT[T>C]TCAGGTTCAGGTTCTTCGGAATGCTGGAGAAGAAGTGACTCTAACAGTGTCATTTTTAAA-3'